The following is an entry in ClinVar:

ClinVar aggregate classification (germline): Pathogenic. Review status: criteria provided, multiple submitters, no conflicts (2 of 4 stars). 11 submissions from 11 submitters: Pathogenic (9). 2 of the submissions do not count toward it. Last evaluated 2026-01-19.

Conditions:
Familial pancreatic carcinoma. Identifiers: Orphanet 1333, MedGen C2931038, MONDO:0015278, OMIM 260350.
Hereditary cancer-predisposing syndrome. Also called: Tumor predisposition; Hereditary Cancer Syndrome; Neoplastic Syndromes, Hereditary; Hereditary neoplastic syndrome. Identifiers: Orphanet 140162, MedGen C0027672, MeSH D009386, MONDO:0015356.
Familial cancer of breast. Also called: BREAST CANCER, FAMILIAL; Hereditary breast cancer; hereditary breast carcinoma. Identifiers: Orphanet 227535, MedGen C0346153, MONDO:0016419, OMIM 114480. Disease mechanism: loss of function.
Ataxia-telangiectasia syndrome (AT). Also called: LOUIS-BAR SYNDROME; Cerebello-oculocutaneous telangiectasia; Immunodeficiency with ataxia telangiectasia; ATAXIA-TELANGIECTASIA, COMPLEMENTATION GROUP A; ATAXIA-TELANGIECTASIA, FRESNO VARIANT; Ataxia-telangiectasia. Identifiers: Orphanet 100, MedGen C0004135, MONDO:0008840, OMIM 208900.

Submissions (11):

Labcorp Genetics (formerly Invitae), Labcorp
Classification: Pathogenic for Ataxia-telangiectasia syndrome. Last evaluated: 2026-01-19. Review status: criteria provided, single submitter. Criteria: Invitae Variant Classification Sherloc (09022015). Collection method: clinical testing. Allele origin: germline.
Comment: This sequence change creates a premature translational stop signal (p.Val835Serfs*7) in the ATM gene. It is expected to result in an absent or disrupted protein product. Loss-of-function variants in ATM are known to be pathogenic (PMID: 23807571, 25614872). This variant is present in population databases (rs587779822, gnomAD 0.0009%). This premature translational stop signal has been observed in individual(s) with ataxia-telangiectasia and breast cancer and melanoma (PMID: 9443866, 15843990, 19691550, 26023681, 26681312). This variant is also known as 2502insA, c.2502_2503insA p.(Val835fs), and 2503_2504insA. ClinVar contains an entry for this variant (Variation ID: 127351). For these reasons, this variant has been classified as Pathogenic.

Natera, Inc.
Classification: Pathogenic for Ataxia-telangiectasia. Last evaluated: 2025-10-29. Review status: criteria provided, single submitter. Criteria: Natera Variant Classification Schema (03/2026). Collection method: clinical testing. Allele origin: germline.
Comment: The c.2502dupA variant in ATM is a frameshift variant predicted to shift the reading frame beginning at codon 835 and leads to a stop codon 7 codons downstream. This variant is expected to result in nonsense mediated decay, truncation, or a dysfunctional protein product. This variant is rare in the general population with a frequency below the threshold expected for the associated phenotype(s). This variant has been observed in one or more individuals affected with the associated recessive disease, as either homozygous or compound heterozygous with a second variant (PMID: 33012025, 19691550). Given the available evidence, this variant is classified as Pathogenic.

Ambry Genetics
Classification: Pathogenic for Hereditary cancer-predisposing syndrome. Last evaluated: 2024-05-02. Review status: criteria provided, single submitter. Criteria: Ambry Variant Classification Scheme 2023. Collection method: clinical testing. Allele origin: germline.
Comment: The c.2502dupA pathogenic mutation, located in coding exon 16 of the ATM gene, results from a duplication of A at nucleotide position 2502, causing a translational frameshift with a predicted alternate stop codon (p.V835Sfs*7). This mutation has been reported in multiple individuals with ataxia-telangiectasia (AT) (Telatar M et al. Am. J. Hum. Genet. 1998 Jan;62:86-97; Sandoval N et al. Hum. Mol. Genet. 1999 Jan;8:69-79; Teraoka SN et al. Am. J. Hum. Genet. 1999 Jun;64:1617-31; Babaei M et al. Hum. Genet. 2005 Jul;117:101-6). This mutation has also been reported in multiple individuals with breast cancer (Dorling et al. N Engl J Med. 2021 02;384:428-439; Foley SB et al. EBioMedicine, 2015 Jan;2:74-81). Of note, this alteration is also designated as 2503insA and 2503_2504insA in published literature. In addition to the clinical data presented in the literature, this alteration is expected to result in loss of function by premature protein truncation or nonsense-mediated mRNA decay. As such, this alteration is interpreted as a disease-causing mutation.

Baylor Genetics
Classification: Pathogenic for Familial cancer of breast. Last evaluated: 2024-02-13. Review status: criteria provided, single submitter. Criteria: ACMG Guidelines, 2015. Collection method: clinical testing. Allele origin: unknown.

Myriad Genetics, Inc.
Classification: Pathogenic for Familial cancer of breast. Last evaluated: 2024-01-18. Review status: criteria provided, single submitter. Criteria: Myriad Autosomal Dominant, Autosomal Recessive and X-Linked Classification Criteria (2023). Collection method: clinical testing. Allele origin: unknown.
Comment: This variant is considered pathogenic. This variant creates a frameshift predicted to result in premature protein truncation.

Color Diagnostics, LLC DBA Color Health
Classification: Pathogenic for Hereditary cancer-predisposing syndrome. Last evaluated: 2022-10-10. Review status: criteria provided, single submitter. Criteria: ACMG Guidelines, 2015. Collection method: clinical testing. Allele origin: germline.
Comment: This variant inserts 1 nucleotide in exon 17 of the ATM gene, creating a frameshift and premature translation stop signal. This variant is expected to result in an absent or non-functional protein product. This variant has been reported in individuals affected with autosomal recessive ataxia-telangiectasia (PMID: 9887333, 15843990, 19691550) and an individual affected with breast cancer (PMID: 26023681). This variant has been identified in 1/251404 chromosomes in the general population by the Genome Aggregation Database (gnomAD). Loss of ATM function is a known mechanism of disease. Based on the available evidence, this variant is classified as Pathogenic.

St. Jude Molecular Pathology, St. Jude Children's Research Hospital
Classification: Pathogenic for Ataxia-telangiectasia syndrome. Last evaluated: 2022-09-09. Review status: criteria provided, single submitter. Criteria: St. Jude Assertion Criteria 2020. Collection method: clinical testing. Allele origin: germline.
Comment: The ATM c.2502dup (p.Val835SerfsTer7) change inserts one nucleotide to cause a frameshift and the creation of a premature stop codon. This change is predicted to cause protein truncation or absence of the protein due to nonsense mediated decay. This variant has a maximum subpopulation frequency of 0.00088% in gnomAD v2.1.1. This variant has been reported in the literature as compound heterozygous or homozygous in individuals with ataxia telangiectasia (PMID: 9443866, 9887333, 19691550). In summary, this variant meets criteria to be classified as pathogenic.

GeneDx
Classification: Pathogenic. Last evaluated: 2022-04-08. Review status: criteria provided, single submitter. Criteria: GeneDx Variant Classification Process June 2021. Collection method: clinical testing. Allele origin: germline. Affected: yes.
Comment: Frameshift variant predicted to result in protein truncation or nonsense mediated decay in a gene for which loss-of-function is a known mechanism of disease; Not observed at a significant frequency in large population cohorts (gnomAD); Observed in the homozygous and compound heterozygous state in individuals with ataxia telangiectasia in published literature (Teletar 1998, Sandoval 1999, Chessa 2009); This variant is associated with the following publications: (PMID: 9443866, 28152038, 26681312, 15843990, 10330348, 17124347, 9887333, 19691550, 32885271)

Women's Health and Genetics/Laboratory Corporation of America, LabCorp
Classification: Pathogenic for Ataxia-telangiectasia syndrome. Last evaluated: 2019-01-14. Review status: criteria provided, single submitter. Criteria: LabCorp Variant Classification Summary - May 2015. Collection method: clinical testing. Allele origin: germline.
Comment: Variant summary: ATM c.2502dupA (p.Val835SerfsX7) results in a premature termination codon, predicted to cause a truncation of the encoded protein or absence of the protein due to nonsense mediated decay, which are commonly known mechanisms for disease. Truncations downstream of this position have been classified as pathogenic by our laboratory (eg. p.Gln1017X, p.His1082fsX14, p.Tyr1124X). The variant was absent in 246196 control chromosomes. c.2502dupA has been reported in the literature in individuals affected with Ataxia-Telangiectasia and breast cancer (Chessa_2009, Sandoval_1999, Susswein_2015, Telatar_1998). These data indicate that the variant is likely to be associated with disease. Five clinical diagnostic laboratories have submitted clinical-significance assessments for this variant to ClinVar after 2014 without evidence for independent evaluation. All laboratories classified the variant as pathogenic. Based on the evidence outlined above, the variant was classified as pathogenic.

Counsyl
Classification: Pathogenic for Ataxia-telangiectasia syndrome. Last evaluated: 2016-09-16. Review status: no assertion criteria provided. Collection method: clinical testing. Allele origin: unknown. Not counted in ClinVar's aggregate classification.

Department of Pathology and Laboratory Medicine, Sinai Health System
Classification: Pathogenic for Familial pancreatic carcinoma. Review status: no assertion criteria provided. Collection method: clinical testing. Allele origin: unknown. Affected: yes. Observed: 1 variant allele. Study: The Canadian Open Genetics Repository (COGR). Not counted in ClinVar's aggregate classification.
Comment: The ATM p.Val835Serfs*7 variant was identified in 8 of 20890 proband chromosomes (frequency: 0.0004) from individuals or families with ataxia telangiectasia or breast cancer (Babaei 2005, Bisgin 2018, Chessa 2009, Foley 2014, Susswein 2015). The variant was also identified in dbSNP (ID: rs587779822) as "With Pathogenic allele", ClinVar (classified as pathogenic by Invitae, GeneDx, Ambry, Counsyl and Color), and in LOVD 3.0 (8x). The variant was identified in control databases in 1 of 251404 chromosomes at a frequency of 0.000004 (Genome Aggregation Database Feb 27, 2017). The variant was observed in the following populations: European in 1 of 113710 chromosomes (freq: 0.000009), while the variant was not observed in the African, Latino, Ashkenazi Jewish, East Asian, Finnish, Other, or South American populations. The c.2502dup variant is predicted to cause a frameshift, which alters the protein's amino acid sequence beginning at codon 835 and leads to a premature stop codon at position 841. This alteration is then predicted to result in a truncated or absent protein and loss of function. Loss of function variants of the ATM gene are an established mechanism of disease in ATM associated cancers and is the type of variant expected to cause the disorder. In summary, based on the above information this variant meets our laboratoryâ€šÃ„Ã´s criteria to be classified as pathogenic.

Literature cited by the submitters: PubMed 23807571 (cited by Labcorp Genetics (formerly Invitae), Labcorp); PubMed 25614872 (cited by Labcorp Genetics (formerly Invitae), Labcorp); PubMed 9443866 (cited by 3 submitters); PubMed 15843990 (cited by 4 submitters); PubMed 19691550 (cited by 5 submitters); PubMed 26023681 (cited by 3 submitters); PubMed 26681312 (cited by Labcorp Genetics (formerly Invitae), Labcorp and Women's Health and Genetics/Laboratory Corporation of America, LabCorp); PubMed 33012025 (cited by Natera, Inc.); PubMed 10330348 (cited by Ambry Genetics); PubMed 33471991 (cited by Ambry Genetics); PubMed 9887333 (cited by 3 submitters).

NM_000051.4(ATM):c.2502dup (p.Val835fs)

Gene: ATM (ATM serine/threonine kinase; plus strand). Cytogenetic location: 11q22.3.
Variant type: Duplication.
Coding change: c.2502dup on transcript NM_000051.4 (MANE Select); coding-DNA position 2502, one base duplicated (A; older notation c.2502dupA).
Protein change: p.Val835fs; shifts the reading frame from valine 835.
Molecular consequence: frameshift variant.
Genome position (GRCh38, 1-based): chr11:108,267,206, A duplicated; the last of 2 consecutive A bases (chr11:108,267,205-108,267,206); duplicating either gives the same sequence. VCF-style (leftmost placement, unchanged base first): chr11-108267204-G-GA. GRCh37 (hg19) VCF-style: chr11-108137931-G-GA.
Other names: c.2502dup, p.Val835fs (NM_001351834.2); c.2502dupA (NM_000051.3); short protein forms V835fs.
Identifiers: ClinVar variation 127351 (VCV000127351.29), dbSNP rs587779822, ClinGen allele CA286759.
Genomic context (GRCh38, chr11:108,267,204, plus strand): 5'-GAACATCTTTGTTTCTCTTCCTTGAAGGCATCCTTCATCAAAAAGCCATTTGACCGTGGA[G>GA]AAGTAGAATCAATGGAAGATGATACTAATGGAAATCTAATGGAGGTGGAGGATCAGTCAT-3'